The following is an entry in ClinVar:

ClinVar aggregate classification (germline): Uncertain significance (1 of 4 stars; one submission).

Allele frequency attached by ClinVar (database versions not stated): gnomAD exomes below 0.00001.
gnomAD v4.1: 1 of 1,614,128 alleles (0.000062%); highest among the groups gnomAD compares: Non-Finnish European, 0.000085%; no homozygotes.

Submission:

GeneDx
Classification: Uncertain significance. Last evaluated: 2022-10-25. Review status: criteria provided, single submitter. Criteria: GeneDx Variant Classification Process June 2021. Collection method: clinical testing. Allele origin: germline. Affected: yes.
Comment: Not observed at significant frequency in large population cohorts (gnomAD); In silico analysis supports that this missense variant does not alter protein structure/function; Has not been previously published as pathogenic or benign to our knowledge

NM_000827.4(GRIA1):c.806A>C (p.Gln269Pro)

Gene: GRIA1 (glutamate ionotropic receptor AMPA type subunit 1; plus strand). Cytogenetic location: 5q33.2.
Variant type: single nucleotide variant.
Coding change: c.806A>C on transcript NM_000827.4 (MANE Select); coding-DNA position 806, A replaced by C.
Protein change: p.Gln269Pro; replaces glutamine 269 with proline.
Molecular consequence: missense variant. On other transcripts: non-coding transcript variant (2).
Genome position (GRCh38, 1-based): chr5:153,674,606, A>C. VCF-style: chr5-153674606-A-C. GRCh37 (hg19) VCF-style: chr5-153054166-A-C.
Other names: c.806A>C, p.Gln269Pro (NM_001114183.2, NM_001364165.2); c.566A>C, p.Gln189Pro (NM_001258019.2); c.521A>C, p.Gln174Pro (NM_001258020.2); c.836A>C, p.Gln279Pro (NM_001258021.2, NM_001258022.2); c.599A>C, p.Gln200Pro (NM_001258023.1, NM_001364167.2); c.833A>C, p.Gln278Pro (NM_001364166.2); short protein forms Q174P, Q189P, Q200P, Q269P, Q278P, Q279P.
Identifiers: ClinVar variation 2500466 (VCV002500466.1), dbSNP rs2480234606, ClinGen allele CA361901470.